The following is an entry in ClinVar:

ClinVar aggregate classification (germline): Uncertain significance. Review status: criteria provided, multiple submitters, no conflicts (2 of 4 stars). 2 submissions from 2 submitters: Uncertain significance (2). Last evaluated 2024-07-23.

Submissions (2):

Women's Health and Genetics/Laboratory Corporation of America, LabCorp
Classification: Uncertain significance. Last evaluated: 2024-07-23. Review status: criteria provided, single submitter. Criteria: LabCorp Variant Classification Summary - May 2015. Collection method: clinical testing. Allele origin: germline.
Comment: Variant summary: COL18A1 c.2539_2556del18 (p.Pro847_Gly852del) results in an in-frame deletion that is predicted to remove 6 amino acids from the encoded protein. The variant allele was found at a frequency of 1.6e-05 in 246562 control chromosomes. The available data on variant occurrences in the general population are insufficient to allow any conclusion about variant significance. To our knowledge, no occurrence of c.2539_2556del18 in individuals affected with Knobloch Syndrome 1 and no experimental evidence demonstrating its impact on protein function have been reported. ClinVar contains an entry for this variant (Variation ID: 1462536). Based on the evidence outlined above, the variant was classified as uncertain significance.

Labcorp Genetics (formerly Invitae), Labcorp
Classification: Uncertain significance. Last evaluated: 2022-07-23. Review status: criteria provided, single submitter. Criteria: Invitae Variant Classification Sherloc (09022015). Collection method: clinical testing. Allele origin: germline.
Comment: This variant, c.2539_2556del, results in the deletion of 6 amino acid(s) of the COL18A1 protein (p.Pro847_Gly852del), but otherwise preserves the integrity of the reading frame. This variant is present in population databases (rs751443356, gnomAD 0.01%). This variant has not been reported in the literature in individuals affected with COL18A1-related conditions. ClinVar contains an entry for this variant (Variation ID: 1462536). Experimental studies and prediction algorithms are not available or were not evaluated, and the functional significance of this variant is currently unknown. In summary, the available evidence is currently insufficient to determine the role of this variant in disease. Therefore, it has been classified as a Variant of Uncertain Significance.

NM_001379500.1(COL18A1):c.2539_2556del (p.841PPG[2])

Gene: COL18A1 (collagen type XVIII alpha 1 chain; plus strand). Cytogenetic location: 21q22.3.
Variant type: Deletion.
Coding change: c.2539_2556del on transcript NM_001379500.1 (MANE Select); coding-DNA positions 2539 to 2556, 18 bases deleted (CCCCCAGGCCCTCCAGGG).
Protein change: p.841PPG[2].
Molecular consequence: inframe deletion.
Genome position (GRCh38, 1-based): chr21:45,496,530-45,496,547, CCCCCAGGCCCTCCAGGG deleted; deleting any 18 consecutive bases within chr21:45,496,521-45,496,547 gives the same sequence; the c. name uses the placement nearest the transcript's 3' end. VCF-style (leftmost placement, unchanged base first): chr21-45496520-ACCTCCAGGGCCCCCAGGC-A. GRCh37 (hg19) VCF-style: chr21-46916434-ACCTCCAGGGCCCCCAGGC-A.
Other names: c.3079_3096del, p.1021PPG[2] (NM_030582.4); c.3784_3801del, p.1256PPG[2] (NM_130444.3); c.2539_2556del18 (NM_001379500.1).
Identifiers: ClinVar variation 1462536 (VCV001462536.4), dbSNP rs751443356, ClinGen allele CA10067173.